The following is an entry in ClinVar:

NM_000123.4(ERCC5):c.2127C>T (p.Asp709=)

Genes: BIVM-ERCC5 (BIVM-ERCC5 readthrough; plus strand), ERCC5 (ERCC excision repair 5, endonuclease; plus strand), LOC126861834 (BRD4-independent group 4 enhancer GRCh37_chr13:103518038-103519237; plus strand). Cytogenetic location: 13q33.1.
Variant type: single nucleotide variant.
Coding change: c.2127C>T on transcript NM_000123.4 (MANE Select); coding-DNA position 2127, C replaced by T.
Protein change: p.Asp709=; no amino-acid change (aspartic acid 709 retained).
Molecular consequence: synonymous variant.
Genome position (GRCh38, 1-based): chr13:102,865,839, C>T. VCF-style: chr13-102865839-C-T. GRCh37 (hg19) VCF-style: chr13-103518189-C-T.
Other names: c.3489C>T, p.Asp1163= (NM_001204425.2).
Identifiers: ClinVar variation 2643921 (VCV002643921.25), dbSNP rs559400325, ClinGen allele CA7041532.

ClinVar aggregate classification (germline): Likely benign. Review status: criteria provided, multiple submitters, no conflicts (2 of 4 stars). 2 submissions from 2 submitters: Likely benign (2). Last evaluated 2025-12-23.

Allele frequency attached by ClinVar (database versions not stated): gnomAD exomes 0.00001; gnomAD 0.00002; TOPMed 0.00002; ExAC 0.00003; 1000 Genomes Project 30x 0.00031; 1000 Genomes Project 0.00040.
gnomAD v4.1: 15 of 1,614,180 alleles (0.00093%); highest among the groups gnomAD compares: African/African-American, 0.008%; no homozygotes.

Submissions (2):

Labcorp Genetics (formerly Invitae), Labcorp
Classification: Likely benign. Last evaluated: 2025-12-23. Review status: criteria provided, single submitter. Criteria: Invitae Variant Classification Sherloc (09022015). Collection method: clinical testing. Allele origin: germline.

CeGaT Center for Human Genetics Tuebingen
Classification: Likely benign. Last evaluated: 2022-12-01. Review status: criteria provided, single submitter. Criteria: CeGaT Center For Human Genetics Tuebingen Variant Classification Criteria Version 2. Collection method: clinical testing. Allele origin: germline. Affected: yes. Observed: 1 variant allele.
Comment: ERCC5: BP4, BP7